The following is an entry in ClinVar:

NM_001283009.2(RTEL1):c.3110-2A>C

Genes: RTEL1 (regulator of telomere elongation helicase 1; plus strand), RTEL1-TNFRSF6B (RTEL1-TNFRSF6B readthrough (NMD candidate); plus strand). Cytogenetic location: 20q13.33.
Variant type: single nucleotide variant.
Coding change: c.3110-2A>C on transcript NM_001283009.2 (MANE Select); the canonical splice acceptor site of the intron before coding-DNA position 3110, A replaced by C.
Molecular consequence: splice acceptor variant.
Genome position (GRCh38, 1-based): chr20:63,694,739, A>C. VCF-style: chr20-63694739-A-C. GRCh37 (hg19) VCF-style: chr20-62326092-A-C.
Other names: c.2441-2A>C (NM_001283010.1); c.3182-2A>C (NM_032957.5); c.3110-2A>C (NM_016434.4).
Identifiers: ClinVar variation 550440 (VCV000550440.15), dbSNP rs377461417, ClinGen allele CA9965874.

ClinVar aggregate classification (germline): Likely pathogenic. Review status: criteria provided, multiple submitters, no conflicts (2 of 4 stars). 8 submissions from 8 submitters: Likely pathogenic (5). 3 of the submissions do not count toward it. Last evaluated 2025-02-18.

Conditions:
Dyskeratosis congenita, autosomal recessive 5 (DKCB5). Identifiers: MedGen C3554656, MONDO:0014076, OMIM 615190.
Pulmonary fibrosis and/or bone marrow failure, Telomere-related, 3. Also called: PULMONARY FIBROSIS AND/OR BONE MARROW FAILURE SYNDROME, TELOMERE-RELATED, 3. Identifiers: Orphanet 2032, MedGen C4225346, MONDO:0014613, OMIM 616373.
Dyskeratosis congenita. Identifiers: Orphanet 1775, MedGen C0265965, MONDO:0015780.
RTEL1-related disorder. Also called: RTEL1-related disorders; RTEL1-related condition.

Allele frequency attached by ClinVar (database versions not stated): ExAC 0.00002; TOPMed 0.00002.
gnomAD v4.1: 38 of 1,598,490 alleles (0.0024%); highest among the groups gnomAD compares: Non-Finnish European, 0.0032%; no homozygotes.

Submissions (8):

GeneDx
Classification: Likely pathogenic. Last evaluated: 2025-02-18. Review status: criteria provided, single submitter. Criteria: GeneDx Variant Classification Process June 2021. Collection method: clinical testing. Allele origin: germline. Affected: yes.
Comment: Identified in an individual with non-Hodgkin lymphoma, however, no additional clinical or segregation information was provided (PMID: 34308104); Canonical splice site variant predicted to result in an in-frame loss of the adjacent exon in a gene for which loss of function is a known mechanism of disease; Not observed at a significant frequency in large population cohorts (gnomAD); This variant is associated with the following publications: (PMID: 34308104)

Labcorp Genetics (formerly Invitae), Labcorp
Classification: Likely pathogenic for Dyskeratosis congenita, autosomal recessive 5; Pulmonary fibrosis and/or bone marrow failure, Telomere-related, 3. Last evaluated: 2024-03-03. Review status: criteria provided, single submitter. Criteria: Invitae Variant Classification Sherloc (09022015). Collection method: clinical testing. Allele origin: germline.
Comment: This sequence change affects an acceptor splice site in intron 31 of the RTEL1 gene. It is expected to disrupt RNA splicing. Variants that disrupt the donor or acceptor splice site typically lead to a loss of protein function (PMID: 16199547), and loss-of-function variants in RTEL1 are known to be pathogenic (PMID: 23453664, 23959892, 25607374). This variant is present in population databases (rs377461417, gnomAD 0.004%). Disruption of this splice site has been observed in individual(s) with lymphoma (PMID: 34308104). ClinVar contains an entry for this variant (Variation ID: 550440). Algorithms developed to predict the effect of sequence changes on RNA splicing suggest that this variant may disrupt the consensus splice site. In summary, the currently available evidence indicates that the variant is pathogenic, but additional data are needed to prove that conclusively. Therefore, this variant has been classified as Likely Pathogenic.

Fulgent Genetics
Classification: Likely pathogenic for Dyskeratosis congenita, autosomal recessive 5; Pulmonary fibrosis and/or bone marrow failure, Telomere-related, 3. Last evaluated: 2024-02-28. Review status: criteria provided, single submitter. Criteria: ACMG Guidelines, 2015. Collection method: clinical testing. Allele origin: germline.

Baylor Genetics
Classification: Likely pathogenic for Dyskeratosis congenita, autosomal recessive 5. Last evaluated: 2024-02-12. Review status: criteria provided, single submitter. Criteria: ACMG Guidelines, 2015. Collection method: clinical testing. Allele origin: unknown.

Blueprint Genetics
Classification: Likely pathogenic for RTEL1-related disorders. Last evaluated: 2020-08-26. Review status: criteria provided, single submitter. Criteria: ACMG Guidelines, 2015. Collection method: clinical testing. Allele origin: germline. Affected: yes. Observed: 1 variant allele.

Molecular Genetics Laboratory, BC Children's and BC Women's Hospitals
Classification: Uncertain significance for Dyskeratosis congenita, autosomal recessive 5. Last evaluated: 2025-03-13. Review status: no assertion criteria provided. Criteria: ACMG Guidelines, 2015. Collection method: clinical testing. Allele origin: germline. Affected: yes. Not counted in ClinVar's aggregate classification.

Natera, Inc.
Classification: Likely pathogenic for Dyskeratosis congenita. Last evaluated: 2021-04-06. Review status: no assertion criteria provided. Collection method: clinical testing. Allele origin: germline. Not counted in ClinVar's aggregate classification.

Counsyl
Classification: Likely pathogenic for Dyskeratosis congenita, autosomal recessive 5. Last evaluated: 2017-01-19. Review status: no assertion criteria provided. Collection method: clinical testing. Allele origin: unknown. Not counted in ClinVar's aggregate classification.

Literature cited by the submitters: PubMed 16199547 (cited by Labcorp Genetics (formerly Invitae), Labcorp); PubMed 23453664 (cited by Labcorp Genetics (formerly Invitae), Labcorp); PubMed 23959892 (cited by Labcorp Genetics (formerly Invitae), Labcorp); PubMed 25607374 (cited by Labcorp Genetics (formerly Invitae), Labcorp); PubMed 34308104 (cited by Labcorp Genetics (formerly Invitae), Labcorp).